The following is an entry in ClinVar:

NM_006662.3(SRCAP):c.3991C>A (p.Pro1331Thr)

Gene: SRCAP (Snf2 related CREBBP activator protein; plus strand). Cytogenetic location: 16p11.2.
Variant type: single nucleotide variant.
Coding change: c.3991C>A on transcript NM_006662.3 (MANE Select); coding-DNA position 3991, C replaced by A.
Protein change: p.Pro1331Thr; replaces proline 1331 with threonine.
Molecular consequence: missense variant.
Genome position (GRCh38, 1-based): chr16:30,723,061, C>A. VCF-style: chr16-30723061-C-A. GRCh37 (hg19) VCF-style: chr16-30734382-C-A.
Other names: short protein forms P1331T.
Identifiers: ClinVar variation 2429224 (VCV002429224.3), dbSNP rs2506673965, ClinGen allele CA395615128.

ClinVar aggregate classification (germline): Uncertain significance (1 of 4 stars; one submission).

Submission:

Women's Health and Genetics/Laboratory Corporation of America, LabCorp
Classification: Uncertain significance. Last evaluated: 2023-01-08. Review status: criteria provided, single submitter. Criteria: LabCorp Variant Classification Summary - May 2015. Collection method: clinical testing. Allele origin: germline.
Comment: Variant summary: SRCAP c.3991C>A (p.Pro1331Thr) results in a non-conservative amino acid change in the encoded protein sequence. Four of five in-silico tools predict a damaging effect of the variant on protein function. The variant was absent in 251468 control chromosomes (gnomAD). The available data on variant occurrences in the general population are insufficient to allow any conclusion about variant significance. To our knowledge, no occurrence of c.3991C>A in individuals affected with Floating-Harbor Syndrome and no experimental evidence demonstrating its impact on protein function have been reported. No clinical diagnostic laboratories have submitted clinical-significance assessments for this variant to ClinVar after 2014. Based on the evidence outlined above, the variant was classified as uncertain significance.